The following is an entry in ClinVar:

ClinVar aggregate classification (germline): Likely benign (1 of 4 stars; one submission).

Allele frequency attached by ClinVar (database versions not stated): ESP Exome Variant Server 0.00031; gnomAD exomes 0.00044; ExAC 0.00056; gnomAD 0.00059; TOPMed 0.00072.
gnomAD v4.1: 779 of 1,574,944 alleles (0.049%); highest among the groups gnomAD compares: Admixed American, 0.061%; 8 homozygotes.

Submission:

CeGaT Center for Human Genetics Tuebingen
Classification: Likely benign. Last evaluated: 2023-11-01. Review status: criteria provided, single submitter. Criteria: CeGaT Center For Human Genetics Tuebingen Variant Classification Criteria Version 2. Collection method: clinical testing. Allele origin: germline. Affected: yes. Observed: 1 variant allele.
Comment: NPAP1: BP1, BP4

NM_018958.3(NPAP1):c.278C>T (p.Ala93Val)

Gene: NPAP1 (nuclear pore associated protein 1; plus strand). Cytogenetic location: 15q11.2.
Variant type: single nucleotide variant.
Coding change: c.278C>T on transcript NM_018958.3 (MANE Select); coding-DNA position 278, C replaced by T.
Protein change: p.Ala93Val; replaces alanine 93 with valine.
Molecular consequence: missense variant.
Genome position (GRCh38, 1-based): chr15:24,676,145, C>T. VCF-style: chr15-24676145-C-T. GRCh37 (hg19) VCF-style: chr15-24921292-C-T.
Other names: short protein forms A93V.
Identifiers: ClinVar variation 2672580 (VCV002672580.23), dbSNP rs200615809, ClinGen allele CA7430447.